The following is an entry in ClinVar:

NM_001430.5(EPAS1):c.817C>T (p.Leu273Phe)

Gene: EPAS1 (endothelial PAS domain protein 1; plus strand). Cytogenetic location: 2p21.
Variant type: single nucleotide variant.
Coding change: c.817C>T on transcript NM_001430.5 (MANE Select); coding-DNA position 817, C replaced by T.
Protein change: p.Leu273Phe; replaces leucine 273 with phenylalanine.
Molecular consequence: missense variant.
Genome position (GRCh38, 1-based): chr2:46,369,864, C>T. VCF-style: chr2-46369864-C-T. GRCh37 (hg19) VCF-style: chr2-46597003-C-T.
Other names: short protein forms L273F.
Identifiers: ClinVar variation 2456292 (VCV002456292.3), dbSNP rs772856960, ClinGen allele CA1644776.

ClinVar aggregate classification (germline): Uncertain significance. Review status: criteria provided, multiple submitters, no conflicts (2 of 4 stars). 2 submissions from 2 submitters: Uncertain significance (2). Last evaluated 2025-10-29.

Conditions:
Inborn genetic diseases. Identifiers: MedGen C0950123, MeSH D030342.

Allele frequency attached by ClinVar (database versions not stated): gnomAD 0.00003.
gnomAD v4.1: 40 of 1,613,254 alleles (0.0025%); highest among the groups gnomAD compares: Non-Finnish European, 0.003%; no homozygotes.

Submissions (2):

Labcorp Genetics (formerly Invitae), Labcorp
Classification: Uncertain significance. Last evaluated: 2025-10-29. Review status: criteria provided, single submitter. Criteria: Invitae Variant Classification Sherloc (09022015). Collection method: clinical testing. Allele origin: germline.
Comment: This sequence change replaces leucine, which is neutral and non-polar, with phenylalanine, which is neutral and non-polar, at codon 273 of the EPAS1 protein (p.Leu273Phe). This variant is present in population databases (rs772856960, gnomAD 0.003%). This variant has not been reported in the literature in individuals affected with EPAS1-related conditions. ClinVar contains an entry for this variant (Variation ID: 2456292). An algorithm developed to predict the effect of missense changes on protein structure and function (PolyPhen-2) suggests that this variant is likely to be disruptive. In summary, the available evidence is currently insufficient to determine the role of this variant in disease. Therefore, it has been classified as a Variant of Uncertain Significance.

Ambry Genetics
Classification: Uncertain significance for Inborn genetic diseases. Last evaluated: 2023-02-09. Review status: criteria provided, single submitter. Criteria: Ambry Variant Classification Scheme 2023. Collection method: clinical testing. Allele origin: germline.
Comment: The p.L273F variant (also known as c.817C>T), located in coding exon 7 of the EPAS1 gene, results from a C to T substitution at nucleotide position 817. The leucine at codon 273 is replaced by phenylalanine, an amino acid with highly similar properties. This amino acid position is conserved. In addition, the in silico prediction for this alteration is inconclusive. Since supporting evidence is limited at this time, the clinical significance of this alteration remains unclear.